The following is an entry in ClinVar:

NM_006269.2(RP1):c.4932A>G (p.Pro1644=)

Genes: RP1 (RP1 axonemal microtubule associated; plus strand), LOC126860392 (CDK7 strongly-dependent group 2 enhancer GRCh37_chr8:55541319-55542518; plus strand). Cytogenetic location: 8q12.1.
Variant type: single nucleotide variant.
Coding change: c.4932A>G on transcript NM_006269.2 (MANE Select); coding-DNA position 4932, A replaced by G.
Protein change: p.Pro1644=; no amino-acid change (proline 1644 retained).
Molecular consequence: synonymous variant. On other transcripts: intron variant (1).
Genome position (GRCh38, 1-based): chr8:54,628,814, A>G. VCF-style: chr8-54628814-A-G. GRCh37 (hg19) VCF-style: chr8-55541374-A-G.
Other names: c.787+6526A>G (NM_001375654.1).
Identifiers: ClinVar variation 749571 (VCV000749571.16), dbSNP rs111445591, ClinGen allele CA4751972.
Genomic context (GRCh38, chr8:54,628,814, plus strand): 5'-CATAGGATTTGTTAAAAGGGCAATAGAAAAACTGTACGGTAAAGCAGATATTATCAAACC[A>G]TCTTTTTTTCCTGGGTCTACCCGCAAATCTCAGGTTTGTCCTTATAATTCTGTGGAATTT-3'
Protein context (NP_006260.1, residues 1634-1654): KLYGKADIIK[Pro1644=]SFFPGSTRKS

ClinVar aggregate classification (germline): Conflicting classifications of pathogenicity. Review status: criteria provided, conflicting classifications (1 of 4 stars). 4 submissions from 4 submitters: Uncertain significance (1); Likely benign (3). Last evaluated 2026-06-15.

Conditions:
RP1-related disorder. Also called: RP1-related condition.
Retinitis pigmentosa (RP). Identifiers: Orphanet 791, MedGen C0035334, MeSH D012174, MONDO:0019200, OMIM 268000. Inheritance: Autosomal dominant, autosomal recessive and X linked inheritance.

Allele frequency attached by ClinVar (database versions not stated): ExAC 0.00001; gnomAD exomes 0.00001; gnomAD 0.00006 and 0.00009; TOPMed 0.00009; 1000 Genomes Project 30x 0.00016; 1000 Genomes Project 0.00020.
gnomAD v4.1: 26 of 1,614,106 alleles (0.0016%); highest among the groups gnomAD compares: African/African-American, 0.028%; no homozygotes.

Submissions (4):

PreventionGenetics, part of Exact Sciences
Classification: Likely benign for RP1-related condition. Last evaluated: 2026-06-15. Review status: criteria provided, single submitter. Criteria: ACMG Guidelines, 2015. Collection method: clinical testing. Allele origin: germline.
Comment: This variant is classified as likely benign based on ACMG/AMP sequence variant interpretation guidelines (Richards et al. 2015 PMID: 25741868, with internal and published modifications).

Labcorp Genetics (formerly Invitae), Labcorp
Classification: Likely benign. Last evaluated: 2025-01-08. Review status: criteria provided, single submitter. Criteria: Invitae Variant Classification Sherloc (09022015). Collection method: clinical testing. Allele origin: germline.

Blueprint Genetics
Classification: Likely benign. Last evaluated: 2022-09-06. Review status: criteria provided, single submitter. Criteria: ACMG Guidelines, 2015. Collection method: clinical testing. Allele origin: germline.

Illumina Laboratory Services, Illumina
Classification: Uncertain significance for Retinitis pigmentosa. Last evaluated: 2018-01-13. Review status: criteria provided, single submitter. Criteria: ICSL Variant Classification Criteria 13 December 2019. Collection method: clinical testing. Allele origin: germline.